The following is an entry in ClinVar:

NM_153240.5(NPHP3):c.3697-7T>A

Genes: NPHP3-ACAD11 (NPHP3-ACAD11 readthrough (NMD candidate); minus strand), NPHP3 (nephrocystin 3; minus strand). Cytogenetic location: 3q22.1.
Variant type: single nucleotide variant.
Coding change: c.3697-7T>A on transcript NM_153240.5 (MANE Select); 7 bases into the intron before coding-DNA position 3697, T replaced by A.
Molecular consequence: intron variant.
Genome position (GRCh38, 1-based): chr3:132,682,825, A>T on the plus strand (T>A on the coding strand, the complement: NPHP3 is on the minus strand). VCF-style: chr3-132682825-A-T. GRCh37 (hg19) VCF-style: chr3-132401669-A-T.
Identifiers: ClinVar variation 902644 (VCV000902644.7), dbSNP rs777908405, ClinGen allele CA2621665.

ClinVar aggregate classification (germline): Uncertain significance. Review status: criteria provided, multiple submitters, no conflicts (2 of 4 stars). 4 submissions from 2 submitters: Uncertain significance (4). Last evaluated 2024-02-24.

Conditions:
Renal-hepatic-pancreatic dysplasia 1 (RHPD1). Identifiers: MedGen C3715199, MONDO:0008833, OMIM 208540.
NPHP3-related Meckel-like syndrome. Also called: GOLDSTON SYNDROME; Meckel syndrome type 7. Identifiers: Orphanet 3032, MedGen C2673885, MONDO:0009966, OMIM 267010.
Nephronophthisis 3 (NPHP3). Also called: Adolescent nephronophthisis. Identifiers: Orphanet 655, MedGen C1858392, MONDO:0011456, OMIM 604387.
Nephronophthisis. Also called: Juvenile Nephronophthisis. Identifiers: Orphanet 655, MedGen C0687120, MONDO:0019005, HP:0000090.

Allele frequency attached by ClinVar (database versions not stated): gnomAD 0.00001; TOPMed 0.00002.
gnomAD v4.1: 50 of 1,523,022 alleles (0.0033%); highest among the groups gnomAD compares: South Asian, 0.029%; no homozygotes.

Submissions (4):

Labcorp Genetics (formerly Invitae), Labcorp
Classification: Uncertain significance for Nephronophthisis. Last evaluated: 2024-02-24. Review status: criteria provided, single submitter. Criteria: Invitae Variant Classification Sherloc (09022015). Collection method: clinical testing. Allele origin: germline.
Comment: This sequence change falls in intron 25 of the NPHP3 gene. It does not directly change the encoded amino acid sequence of the NPHP3 protein. This variant is present in population databases (rs777908405, gnomAD 0.04%). This variant has not been reported in the literature in individuals affected with NPHP3-related conditions. ClinVar contains an entry for this variant (Variation ID: 902644). Algorithms developed to predict the effect of sequence changes on RNA splicing suggest that this variant may disrupt the consensus splice site. In summary, the available evidence is currently insufficient to determine the role of this variant in disease. Therefore, it has been classified as a Variant of Uncertain Significance.

Illumina Laboratory Services, Illumina
Classification: Uncertain significance for Nephronophthisis 3. Last evaluated: 2018-01-13. Review status: criteria provided, single submitter. Criteria: ICSL Variant Classification Criteria 13 December 2019. Collection method: clinical testing. Allele origin: germline.

Illumina Laboratory Services, Illumina
Classification: Uncertain significance for Renal-hepatic-pancreatic dysplasia 1. Last evaluated: 2018-01-13. Review status: criteria provided, single submitter. Criteria: ICSL Variant Classification Criteria 13 December 2019. Collection method: clinical testing. Allele origin: germline.

Illumina Laboratory Services, Illumina
Classification: Uncertain significance for NPHP3-related Meckel-like syndrome. Last evaluated: 2018-01-13. Review status: criteria provided, single submitter. Criteria: ICSL Variant Classification Criteria 13 December 2019. Collection method: clinical testing. Allele origin: germline.